The following is an entry in ClinVar:

NM_005228.5(EGFR):c.944G>A (p.Ser315Asn)

Gene: EGFR (epidermal growth factor receptor; plus strand). Cytogenetic location: 7p11.2.
Variant type: single nucleotide variant.
Coding change: c.944G>A on transcript NM_005228.5 (MANE Select); coding-DNA position 944, G replaced by A.
Protein change: p.Ser315Asn; replaces serine 315 with asparagine.
Molecular consequence: missense variant.
Genome position (GRCh38, 1-based): chr7:55,155,884, G>A. VCF-style: chr7-55155884-G-A. GRCh37 (hg19) VCF-style: chr7-55223577-G-A.
Other names: c.809G>A, p.Ser270Asn (NM_001346897.2, NM_001346899.2); c.944G>A, p.Ser315Asn (NM_001346898.2, NM_201282.2, NM_201283.2 and 1 more transcripts); c.785G>A, p.Ser262Asn (NM_001346900.2); c.143G>A, p.Ser48Asn (NM_001346941.2); c.944G>A (NM_005228.3); short protein forms S315N, S262N, S270N, S48N.
Identifiers: ClinVar variation 1448541 (VCV001448541.6), dbSNP rs745658347, ClinGen allele CA4265416.

ClinVar aggregate classification (germline): Uncertain significance. Review status: criteria provided, multiple submitters, no conflicts (2 of 4 stars). 2 submissions from 2 submitters: Uncertain significance (2). Last evaluated 2025-05-19.

Conditions:
EGFR-related lung cancer (EGFR). Identifiers: MedGen CN130014.
Hereditary cancer-predisposing syndrome. Also called: Hereditary Cancer Syndrome; Hereditary neoplastic syndrome; Neoplastic Syndromes, Hereditary; Tumor predisposition. Identifiers: Orphanet 140162, MedGen C0027672, MeSH D009386, MONDO:0015356.

Allele frequency attached by ClinVar (database versions not stated): gnomAD exomes below 0.00001 and 0.00001; TOPMed below 0.00001; ExAC 0.00001.
gnomAD v4.1: 9 of 1,614,090 alleles (0.00056%); highest among the groups gnomAD compares: Non-Finnish European, 0.00076%; no homozygotes.

Submissions (2):

Ambry Genetics
Classification: Uncertain significance for Hereditary cancer-predisposing syndrome. Last evaluated: 2025-05-19. Review status: criteria provided, single submitter. Criteria: Ambry Variant Classification Scheme 2023. Collection method: clinical testing. Allele origin: germline.
Comment: The p.S315N variant (also known as c.944G>A), located in coding exon 8 of the EGFR gene, results from a G to A substitution at nucleotide position 944. The serine at codon 315 is replaced by asparagine, an amino acid with highly similar properties. This amino acid position is conserved. In addition, this alteration is predicted to be tolerated by in silico analysis. Based on the available evidence, the clinical significance of this variant remains unclear.

Labcorp Genetics (formerly Invitae), Labcorp
Classification: Uncertain significance for EGFR-related lung cancer. Last evaluated: 2025-04-30. Review status: criteria provided, single submitter. Criteria: Invitae Variant Classification Sherloc (09022015). Collection method: clinical testing. Allele origin: germline.
Comment: This sequence change replaces serine, which is neutral and polar, with asparagine, which is neutral and polar, at codon 315 of the EGFR protein (p.Ser315Asn). This variant is present in population databases (rs745658347, gnomAD 0.0009%). This variant has not been reported in the literature in individuals affected with EGFR-related conditions. ClinVar contains an entry for this variant (Variation ID: 1448541). Invitae Evidence Modeling of protein sequence and biophysical properties (such as structural, functional, and spatial information, amino acid conservation, physicochemical variation, residue mobility, and thermodynamic stability) indicates that this missense variant is not expected to disrupt EGFR protein function with a negative predictive value of 80%. In summary, the available evidence is currently insufficient to determine the role of this variant in disease. Therefore, it has been classified as a Variant of Uncertain Significance.